The following is an entry in ClinVar:

NM_006017.3(PROM1):c.1196G>A (p.Arg399His)

Gene: PROM1 (prominin 1; minus strand). Cytogenetic location: 4p15.32.
Variant type: single nucleotide variant.
Coding change: c.1196G>A on transcript NM_006017.3 (MANE Select); coding-DNA position 1196, G replaced by A.
Protein change: p.Arg399His; replaces arginine 399 with histidine.
Molecular consequence: missense variant.
Genome position (GRCh38, 1-based): chr4:16,009,054, C>T on the plus strand (G>A on the coding strand, the complement: PROM1 is on the minus strand). VCF-style: chr4-16009054-C-T. GRCh37 (hg19) VCF-style: chr4-16010677-C-T.
Other names: c.1169G>A, p.Arg390His (NM_001145847.2, NM_001145848.2, NM_001145851.2 and 4 more transcripts); c.1196G>A, p.Arg399His (NM_001145849.2, NM_001145850.2); c.1196G>A (NM_006017.2); short protein forms R390H, R399H.
Identifiers: ClinVar variation 1040576 (VCV001040576.11), dbSNP rs201690959, ClinGen allele CA2866837.

ClinVar aggregate classification (germline): Uncertain significance. Review status: criteria provided, multiple submitters, no conflicts (2 of 4 stars). 4 submissions from 4 submitters: Uncertain significance (4). Last evaluated 2026-02-24.

Conditions:
PROM1-related disorder. Also called: PROM1-related disorders; PROM1-related condition.

Allele frequency attached by ClinVar (database versions not stated): 1000 Genomes Project 30x 0.00016; 1000 Genomes Project 0.00020; gnomAD 0.00026 and 0.00027; TOPMed 0.00026; gnomAD exomes 0.00027; ExAC 0.00034; ESP Exome Variant Server 0.00050.
gnomAD v4.1: 257 of 1,609,896 alleles (0.016%); highest among the groups gnomAD compares: African/African-American, 0.079%; no homozygotes.

Submissions (4):

PreventionGenetics, part of Exact Sciences
Classification: Uncertain significance for PROM1-related condition. Last evaluated: 2026-02-24. Review status: criteria provided, single submitter. Criteria: ACMG Guidelines, 2015. Collection method: clinical testing. Allele origin: germline.
Comment: The PROM1 c.1196G>A variant is predicted to result in the amino acid substitution p.Arg399His. This variant has been reported in the heterozygous state along with another PROM1 variant in an individual with Stargardt disease (Table 1, Ng et al. 2022. PubMed ID: 33846575). This variant is reported in 0.096% of alleles in individuals of Latino descent in gnomAD. At this time, the clinical significance of this variant is uncertain due to the absence of conclusive functional and genetic evidence.

Labcorp Genetics (formerly Invitae), Labcorp
Classification: Uncertain significance. Last evaluated: 2025-11-25. Review status: criteria provided, single submitter. Criteria: Invitae Variant Classification Sherloc (09022015). Collection method: clinical testing. Allele origin: germline.
Comment: This sequence change replaces arginine, which is basic and polar, with histidine, which is basic and polar, at codon 399 of the PROM1 protein (p.Arg399His). This variant is present in population databases (rs201690959, gnomAD 0.1%). This missense change has been observed in individual(s) with Stargardt disease (PMID: 33846575). ClinVar contains an entry for this variant (Variation ID: 1040576). Invitae Evidence Modeling of protein sequence and biophysical properties (such as structural, functional, and spatial information, amino acid conservation, physicochemical variation, residue mobility, and thermodynamic stability) indicates that this missense variant is not expected to disrupt PROM1 protein function with a negative predictive value of 80%. In summary, the available evidence is currently insufficient to determine the role of this variant in disease. Therefore, it has been classified as a Variant of Uncertain Significance.

Blueprint Genetics
Classification: Uncertain significance. Last evaluated: 2024-11-04. Review status: criteria provided, single submitter. Criteria: ACMG Guidelines, 2015. Collection method: clinical testing. Allele origin: germline.

Breakthrough Genomics
Classification: Uncertain significance. Review status: criteria provided, single submitter. Criteria: ACMG Guidelines, 2015. Collection method: not provided. Allele origin: germline. Inheritance: Autosomal recessive inheritance. Affected: yes.

Literature cited by the submitters: PubMed 33846575 (cited by Labcorp Genetics (formerly Invitae), Labcorp).